The following is an entry in ClinVar:

NM_001035.3(RYR2):c.677G>A (p.Gly226Glu)

Gene: RYR2 (ryanodine receptor 2; plus strand). Cytogenetic location: 1q43.
Variant type: single nucleotide variant.
Coding change: c.677G>A on transcript NM_001035.3 (MANE Select); coding-DNA position 677, G replaced by A.
Protein change: p.Gly226Glu; replaces glycine 226 with glutamic acid.
Molecular consequence: missense variant.
Genome position (GRCh38, 1-based): chr1:237,388,087, G>A. VCF-style: chr1-237388087-G-A. GRCh37 (hg19) VCF-style: chr1-237551387-G-A.
Other names: short protein forms G226E.
Identifiers: ClinVar variation 947702 (VCV000947702.11), dbSNP rs1702087452, ClinGen allele CA345378113.

ClinVar aggregate classification (germline): Likely pathogenic (1 of 4 stars; one submission).

Conditions:
Catecholaminergic polymorphic ventricular tachycardia 1. Also called: VENTRICULAR TACHYCARDIA, CATECHOLAMINERGIC POLYMORPHIC, 1, WITH OR WITHOUT ATRIAL DYSFUNCTION AND/OR DILATED CARDIOMYOPATHY; VENTRICULAR TACHYCARDIA, STRESS-INDUCED POLYMORPHIC 1; RYR2-Related Catecholaminergic Polymorphic Ventricular Tachycardia. Identifiers: Orphanet 3286, MedGen C1631597, MONDO:0011484, OMIM 604772.

Submission:

Labcorp Genetics (formerly Invitae), Labcorp
Classification: Likely pathogenic for Catecholaminergic polymorphic ventricular tachycardia 1. Last evaluated: 2019-08-14. Review status: criteria provided, single submitter. Criteria: Invitae Variant Classification Sherloc (09022015). Collection method: clinical testing. Allele origin: germline.
Comment: In summary, the currently available evidence indicates that the variant is pathogenic, but additional data are needed to prove that conclusively. Therefore, this variant has been classified as Likely Pathogenic. Algorithms developed to predict the effect of missense changes on protein structure and function (SIFT, PolyPhen-2, Align-GVGD) all suggest that this variant is likely to be disruptive, but these predictions have not been confirmed by published functional studies and their clinical significance is uncertain. This variant has been observed in individual(s) with clinical features of catecholaminergic polymorphic ventricular tachycardia (Invitae). In at least one individual the variant was observed to be de novo. This variant is not present in population databases (ExAC no frequency). This sequence change replaces glycine with glutamic acid at codon 226 of the RYR2 protein (p.Gly226Glu). The glycine residue is highly conserved and there is a moderate physicochemical difference between glycine and glutamic acid.